The following is an entry in ClinVar:

ClinVar aggregate classification (germline): Likely benign (0 of 4 stars; one submission).

Conditions:
NF1-related disorder. Also called: NF1-related condition. Identifiers: MedGen CN379171.

gnomAD v4.1: 2 of 152,098 alleles (0.0013%); highest among the groups gnomAD compares: Non-Finnish European, 0.0029%; no homozygotes.

Submission:

PreventionGenetics, part of Exact Sciences
Classification: Likely benign for NF1-related condition. Last evaluated: 2024-08-30. Review status: no assertion criteria provided. Collection method: clinical testing. Allele origin: germline.
Comment: This variant is classified as likely benign based on ACMG/AMP sequence variant interpretation guidelines (Richards et al. 2015 PMID: 25741868, with internal and published modifications).

NM_001042492.3(NF1):c.1642-452A>T

Gene: NF1 (neurofibromin 1; plus strand). Cytogenetic location: 17q11.2.
Variant type: single nucleotide variant.
Coding change: c.1642-452A>T on transcript NM_001042492.3 (MANE Select); 452 bases into the intron before coding-DNA position 1642, A replaced by T.
Molecular consequence: intron variant.
Genome position (GRCh38, 1-based): chr17:31,221,398, A>T. VCF-style: chr17-31221398-A-T. GRCh37 (hg19) VCF-style: chr17-29548416-A-T.
Other names: c.1642-452A>T (NM_000267.4, NM_001128147.3).
Identifiers: ClinVar variation 3354228 (VCV003354228.1).